The following is an entry in ClinVar:

ClinVar aggregate classification (germline): Uncertain significance (1 of 4 stars; one submission).

Conditions:
Inborn genetic diseases. Identifiers: MedGen C0950123, MeSH D030342.

Allele frequency attached by ClinVar (database versions not stated): TOPMed below 0.00001; gnomAD 0.00001.
gnomAD v4.1: 1 of 1,611,494 alleles (0.000062%); highest among the groups gnomAD compares: Non-Finnish European, 0.000085%; no homozygotes.

Submission:

Ambry Genetics
Classification: Uncertain significance for Inborn genetic diseases. Last evaluated: 2022-12-01. Review status: criteria provided, single submitter. Criteria: Ambry Variant Classification Scheme 2023. Collection method: clinical testing. Allele origin: germline.
Comment: The p.Y1419C variant (also known as c.4256A>G), located in coding exon 23 of the ATR gene, results from an A to G substitution at nucleotide position 4256. The tyrosine at codon 1419 is replaced by cysteine, an amino acid with highly dissimilar properties. This amino acid position is conserved. In addition, the in silico prediction for this alteration is inconclusive. Since supporting evidence is limited at this time, the clinical significance of this alteration remains unclear.

NM_001184.4(ATR):c.4256A>G (p.Tyr1419Cys)

Gene: ATR (ATR checkpoint kinase; minus strand). Cytogenetic location: 3q23.
Variant type: single nucleotide variant.
Coding change: c.4256A>G on transcript NM_001184.4 (MANE Select); coding-DNA position 4256, A replaced by G.
Protein change: p.Tyr1419Cys; replaces tyrosine 1419 with cysteine.
Molecular consequence: missense variant.
Genome position (GRCh38, 1-based): chr3:142,522,738, T>C on the plus strand (A>G on the coding strand, the complement: ATR is on the minus strand). VCF-style: chr3-142522738-T-C. GRCh37 (hg19) VCF-style: chr3-142241580-T-C.
Other names: c.4064A>G, p.Tyr1355Cys (NM_001354579.2); short protein forms Y1419C, Y1355C.
Identifiers: ClinVar variation 2496590 (VCV002496590.2), dbSNP rs937549949, ClinGen allele CA84725503.